The following is an entry in ClinVar:

ClinVar aggregate classification (germline): Conflicting classifications of pathogenicity. Review status: criteria provided, conflicting classifications (1 of 4 stars). 2 submissions from 2 submitters: Uncertain significance (1); Likely benign (1). Last evaluated 2026-01-05.

Conditions:
Familial sleep-related hypermotor epilepsy. Also called: Autosomal Dominant Sleep-Related Hypermotor (Hyperkinetic) Epilepsy. Identifiers: Orphanet 98784, MedGen C3696898, MONDO:0000030.

Allele frequency attached by ClinVar (database versions not stated): TOPMed 0.00002.

Submissions (2):

Labcorp Genetics (formerly Invitae), Labcorp
Classification: Likely benign. Last evaluated: 2026-01-05. Review status: criteria provided, single submitter. Criteria: Invitae Variant Classification Sherloc (09022015). Collection method: clinical testing. Allele origin: germline.

GeneDx
Classification: Uncertain significance. Last evaluated: 2015-10-08. Review status: criteria provided, single submitter. Criteria: GeneDx Variant Classification (06012015). Collection method: clinical testing. Allele origin: germline. Affected: yes.
Comment: p.Pro50Leu (CCG>CTG): c.149 C>T in exon 3 of the CHRNA2 gene (NM_000742.3). A variant of unknown significance has been identified in the CHRNA2 gene. The P50L variant has not been published as a mutation, nor has it been reported as a benign polymorphism to our knowledge. It was not observed in approximately 6,500 individuals of European and African American ancestry in the NHLBI Exome Sequencing Project, indicating it is not a common benign variant in these populations. The P50L variant is a semi-conservative amino acid substitution, which may impact secondary protein structure as these residues differ in some properties. However, this substitution occurs at a position that is not conserved across species, and in silico analysis predicts this variant likely does not alter the protein structure/function. Additionally, this amino acid substitution does not occur within the transmembrane region of the protein, where the vast majority of pathogenic missense mutations have been identified in association with epilepsy (Steinlein et al., 2010). Therefore, based on the currently available information, it is unclear whether this variant is a pathogenic mutation or a rare benign variant. The variant is found in EPILEPSY panel(s).

NM_000742.4(CHRNA2):c.149C>T (p.Pro50Leu)

Gene: CHRNA2 (cholinergic receptor nicotinic alpha 2 subunit; minus strand). Cytogenetic location: 8p21.2.
Variant type: single nucleotide variant.
Coding change: c.149C>T on transcript NM_000742.4 (MANE Select); coding-DNA position 149, C replaced by T.
Protein change: p.Pro50Leu; replaces proline 50 with leucine.
Molecular consequence: missense variant. On other transcripts: 5 prime UTR variant (4).
Genome position (GRCh38, 1-based): chr8:27,469,906, G>A on the plus strand (C>T on the coding strand, the complement: CHRNA2 is on the minus strand). VCF-style: chr8-27469906-G-A. GRCh37 (hg19) VCF-style: chr8-27327423-G-A.
Other names: p.P50L:CCG>CTG; c.149C>T, p.Pro50Leu (NM_001282455.2); c.-279C>T (NM_001347705.2); c.-324C>T (NM_001347706.2); c.-265C>T (NM_001347707.2); c.-313C>T (NM_001347708.2); short protein forms P50L.
Identifiers: ClinVar variation 204980 (VCV000204980.7), dbSNP rs146763552, ClinGen allele CA313482.